The following is an entry in ClinVar:

ClinVar aggregate classification (germline): Uncertain significance (1 of 4 stars; one submission).

Conditions:
Primary ciliary dyskinesia 33. Also called: CILIARY DYSKINESIA, PRIMARY, 33, WITHOUT SITUS INVERSUS. Identifiers: Orphanet 244, MedGen C4225230, MONDO:0014750, OMIM 616726.

Allele frequency attached by ClinVar (database versions not stated): ExAC 0.00001; gnomAD exomes 0.00002; gnomAD 0.00005; TOPMed 0.00004.
gnomAD v4.1: 26 of 1,611,312 alleles (0.0016%); highest among the groups gnomAD compares: Middle Eastern, 0.017%; no homozygotes.

Submission:

Labcorp Genetics (formerly Invitae), Labcorp
Classification: Uncertain significance for Primary ciliary dyskinesia 33. Last evaluated: 2025-02-24. Review status: criteria provided, single submitter. Criteria: Invitae Variant Classification Sherloc (09022015). Collection method: clinical testing. Allele origin: germline.
Comment: This sequence change replaces valine, which is neutral and non-polar, with methionine, which is neutral and non-polar, at codon 366 of the GAS8 protein (p.Val366Met). This variant is present in population databases (rs771158172, gnomAD 0.007%). This variant has not been reported in the literature in individuals affected with GAS8-related conditions. ClinVar contains an entry for this variant (Variation ID: 1010043). Invitae Evidence Modeling of protein sequence and biophysical properties (such as structural, functional, and spatial information, amino acid conservation, physicochemical variation, residue mobility, and thermodynamic stability) indicates that this missense variant is not expected to disrupt GAS8 protein function with a negative predictive value of 80%. In summary, the available evidence is currently insufficient to determine the role of this variant in disease. Therefore, it has been classified as a Variant of Uncertain Significance.

NM_001481.3(DRC4):c.1096G>A (p.Val366Met)

Gene: DRC4 (dynein regulatory complex subunit 4; plus strand). Cytogenetic location: 16q24.3.
Variant type: single nucleotide variant.
Coding change: c.1096G>A on transcript NM_001481.3 (MANE Select); coding-DNA position 1096, G replaced by A.
Protein change: p.Val366Met; replaces valine 366 with methionine.
Molecular consequence: missense variant. On other transcripts: non-coding transcript variant (1).
Genome position (GRCh38, 1-based): chr16:90,040,384, G>A. VCF-style: chr16-90040384-G-A. GRCh37 (hg19) VCF-style: chr16-90106792-G-A.
Other names: c.520G>A, p.Val174Met (NM_001286208.2); c.1021G>A, p.Val341Met (NM_001286209.2); c.847G>A, p.Val283Met (NM_001286205.2); short protein forms V174M, V283M, V341M, V366M.
Identifiers: ClinVar variation 1010043 (VCV001010043.6), dbSNP rs771158172, ClinGen allele CA8258102.